The following is an entry in ClinVar:

ClinVar aggregate classification (germline): Uncertain significance. Review status: criteria provided, multiple submitters, no conflicts (2 of 4 stars). 2 submissions from 2 submitters: Uncertain significance (2). Last evaluated 2025-12-23.

Conditions:
Hereditary cancer-predisposing syndrome. Also called: Neoplastic Syndromes, Hereditary; Tumor predisposition; Hereditary Cancer Syndrome; Hereditary neoplastic syndrome. Identifiers: Orphanet 140162, MedGen C0027672, MeSH D009386, MONDO:0015356.
Familial adenomatous polyposis 1 (FAP1). Also called: FAMILIAL ADENOMATOUS POLYPOSIS 1, ATTENUATED; POLYPOSIS, ADENOMATOUS INTESTINAL. Identifiers: MedGen C2713442, MONDO:0021056, OMIM 175100. Disease mechanism: loss of function.

Submissions (2):

Labcorp Genetics (formerly Invitae), Labcorp
Classification: Uncertain significance for Familial adenomatous polyposis 1. Last evaluated: 2025-12-23. Review status: criteria provided, single submitter. Criteria: Invitae Variant Classification Sherloc (09022015). Collection method: clinical testing. Allele origin: germline.
Comment: This sequence change replaces aspartic acid, which is acidic and polar, with glutamic acid, which is acidic and polar, at codon 774 of the APC protein (p.Asp774Glu). This variant is not present in population databases (gnomAD no frequency). This variant has not been reported in the literature in individuals affected with APC-related conditions. ClinVar contains an entry for this variant (Variation ID: 3408355). Invitae Evidence Modeling of protein sequence and biophysical properties (such as structural, functional, and spatial information, amino acid conservation, physicochemical variation, residue mobility, and thermodynamic stability) indicates that this missense variant is not expected to disrupt APC protein function with a negative predictive value of 95%. In summary, the available evidence is currently insufficient to determine the role of this variant in disease. Therefore, it has been classified as a Variant of Uncertain Significance.

Ambry Genetics
Classification: Uncertain significance for Hereditary cancer-predisposing syndrome. Last evaluated: 2024-10-19. Review status: criteria provided, single submitter. Criteria: Ambry Variant Classification Scheme 2023. Collection method: clinical testing. Allele origin: germline.
Comment: The p.D774E variant (also known as c.2322C>G), located in coding exon 15 of the APC gene, results from a C to G substitution at nucleotide position 2322. The aspartic acid at codon 774 is replaced by glutamic acid, an amino acid with highly similar properties. This amino acid position is highly conserved in available vertebrate species. In addition, in silico predictors for this gene do not accurately predict pathogenicity. Missense alterations in APC are not a common cause of disease (Spier I et al. Genet Med. 2024 Feb;26(2):100992). Based on the available evidence, the clinical significance of this variant remains unclear.

NM_000038.6(APC):c.2322C>G (p.Asp774Glu)

Gene: APC (APC regulator of Wnt signaling pathway; plus strand). Cytogenetic location: 5q22.2.
Variant type: single nucleotide variant.
Coding change: c.2322C>G on transcript NM_000038.6 (MANE Select); coding-DNA position 2322, C replaced by G.
Protein change: p.Asp774Glu; replaces aspartic acid 774 with glutamic acid.
Molecular consequence: missense variant. On other transcripts: non-coding transcript variant (2).
Genome position (GRCh38, 1-based): chr5:112,837,916, C>G. VCF-style: chr5-112837916-C-G. GRCh37 (hg19) VCF-style: chr5-112173613-C-G.
Other names: c.2322C>G, p.Asp774Glu (NM_001127510.3, NM_001354895.2, NM_001407450.1); c.2268C>G, p.Asp756Glu (NM_001127511.3); c.2376C>G, p.Asp792Glu (NM_001354896.2, NM_001407447.1, NM_001407448.1 and 1 more transcripts); c.2352C>G, p.Asp784Glu (NM_001354897.2); c.2247C>G, p.Asp749Glu (NM_001354898.2); c.2238C>G, p.Asp746Glu (NM_001354899.2); c.2199C>G, p.Asp733Glu (NM_001354900.2); c.2145C>G, p.Asp715Glu (NM_001354901.2, NM_001407453.1); and 11 more; short protein forms D691E, D749E, D774E, D390E, D733E, D746E, D756E, D792E.
Identifiers: ClinVar variation 3408355 (VCV003408355.2).